The following is an entry in ClinVar:

ClinVar aggregate classification (germline): Uncertain significance. Review status: criteria provided, multiple submitters, no conflicts (2 of 4 stars). 2 submissions from 2 submitters: Uncertain significance (2). Last evaluated 2025-04-30.

Conditions:
Inborn genetic diseases. Identifiers: MedGen C0950123, MeSH D030342.
Spastic paraplegia. Identifiers: MedGen C0037772, HP:0001258.

Allele frequency attached by ClinVar (database versions not stated): TOPMed below 0.00001; gnomAD 0.00001.
gnomAD v4.1: 2 of 1,607,502 alleles (0.00012%); highest among the groups gnomAD compares: Non-Finnish European, 0.00017%; no homozygotes.

Submissions (2):

Ambry Genetics
Classification: Uncertain significance for Inborn genetic diseases. Last evaluated: 2025-04-30. Review status: criteria provided, single submitter. Criteria: Ambry Variant Classification Scheme 2023. Collection method: clinical testing. Allele origin: germline.

Labcorp Genetics (formerly Invitae), Labcorp
Classification: Uncertain significance for Spastic paraplegia. Last evaluated: 2024-10-29. Review status: criteria provided, single submitter. Criteria: Invitae Variant Classification Sherloc (09022015). Collection method: clinical testing. Allele origin: germline.
Comment: This sequence change replaces glycine, which is neutral and non-polar, with arginine, which is basic and polar, at codon 1022 of the ZFYVE26 protein (p.Gly1022Arg). This variant is not present in population databases (gnomAD no frequency). This variant has not been reported in the literature in individuals affected with ZFYVE26-related conditions. ClinVar contains an entry for this variant (Variation ID: 1499737). An algorithm developed to predict the effect of missense changes on protein structure and function (PolyPhen-2) suggests that this variant is likely to be disruptive. In summary, the available evidence is currently insufficient to determine the role of this variant in disease. Therefore, it has been classified as a Variant of Uncertain Significance.

NM_015346.4(ZFYVE26):c.3064G>C (p.Gly1022Arg)

Gene: ZFYVE26 (zinc finger FYVE-type containing 26; minus strand). Cytogenetic location: 14q24.1.
Variant type: single nucleotide variant.
Coding change: c.3064G>C on transcript NM_015346.4 (MANE Select); coding-DNA position 3064, G replaced by C.
Protein change: p.Gly1022Arg; replaces glycine 1022 with arginine.
Molecular consequence: missense variant.
Genome position (GRCh38, 1-based): chr14:67,786,189, C>G on the plus strand (G>C on the coding strand, the complement: ZFYVE26 is on the minus strand). VCF-style: chr14-67786189-C-G. GRCh37 (hg19) VCF-style: chr14-68252906-C-G.
Other names: c.3064G>C (NM_015346.3); short protein forms G1022R.
Identifiers: ClinVar variation 1499737 (VCV001499737.9), dbSNP rs2039651283, ClinGen allele CA390173074.